The following is an entry in ClinVar:

ClinVar aggregate classification (germline): Uncertain significance (1 of 4 stars; one submission).

Submission:

Labcorp Genetics (formerly Invitae), Labcorp
Classification: Uncertain significance. Last evaluated: 2023-08-28. Review status: criteria provided, single submitter. Criteria: Invitae Variant Classification Sherloc (09022015). Collection method: clinical testing. Allele origin: germline.
Comment: An algorithm developed to predict the effect of missense changes on protein structure and function (PolyPhen-2) suggests that this variant is likely to be disruptive. In summary, the available evidence is currently insufficient to determine the role of this variant in disease. Therefore, it has been classified as a Variant of Uncertain Significance. This variant has not been reported in the literature in individuals affected with VCAN-related conditions. This sequence change replaces isoleucine, which is neutral and non-polar, with methionine, which is neutral and non-polar, at codon 1343 of the VCAN protein (p.Ile1343Met). This variant is not present in population databases (gnomAD no frequency).

NM_004385.5(VCAN):c.4029T>G (p.Ile1343Met)

Genes: VCAN (versican; plus strand), VCAN-AS1 (VCAN antisense RNA 1; minus strand). Cytogenetic location: 5q14.3.
Variant type: single nucleotide variant.
Coding change: c.4029T>G on transcript NM_004385.5 (MANE Select); coding-DNA position 4029, T replaced by G.
Protein change: p.Ile1343Met; replaces isoleucine 1343 with methionine.
Molecular consequence: missense variant. On other transcripts: intron variant (2).
Genome position (GRCh38, 1-based): chr5:83,537,032, T>G. VCF-style: chr5-83537032-T-G. GRCh37 (hg19) VCF-style: chr5-82832851-T-G.
Other names: c.1068T>G, p.Ile356Met (NM_001164097.2); c.4004-8505T>G (NM_001164098.2); c.1043-8505T>G (NM_001126336.3); short protein forms I1343M, I356M.
Identifiers: ClinVar variation 2755793 (VCV002755793.3), dbSNP rs1197911397, ClinGen allele CA360307346.